The following is an entry in ClinVar:

ClinVar aggregate classification (germline): Uncertain significance (0 of 4 stars; one submission).

Conditions:
PREX1-related disorder. Also called: PREX1-related condition.

Allele frequency attached by ClinVar (database versions not stated): TOPMed below 0.00001; gnomAD 0.00001.
gnomAD v4.1: 1 of 1,613,632 alleles (0.000062%); highest among the groups gnomAD compares: Non-Finnish European, 0.000085%; no homozygotes.

Submission:

PreventionGenetics, part of Exact Sciences
Classification: Uncertain significance for PREX1-related condition. Last evaluated: 2024-02-27. Review status: no assertion criteria provided. Collection method: clinical testing. Allele origin: germline.
Comment: The PREX1 c.3289G>A variant is predicted to result in the amino acid substitution p.Val1097Ile. To our knowledge, this variant has not been reported in the literature or in a large population database, indicating this variant is rare. At this time, the clinical significance of this variant is uncertain due to the absence of conclusive functional and genetic evidence.

NM_020820.4(PREX1):c.3289G>A (p.Val1097Ile)

Gene: PREX1 (phosphatidylinositol-3,4,5-trisphosphate dependent Rac exchange factor 1; minus strand). Cytogenetic location: 20q13.13.
Variant type: single nucleotide variant.
Coding change: c.3289G>A on transcript NM_020820.4 (MANE Select); coding-DNA position 3289, G replaced by A.
Protein change: p.Val1097Ile; replaces valine 1097 with isoleucine.
Molecular consequence: missense variant.
Genome position (GRCh38, 1-based): chr20:48,649,316, C>T on the plus strand (G>A on the coding strand, the complement: PREX1 is on the minus strand). VCF-style: chr20-48649316-C-T. GRCh37 (hg19) VCF-style: chr20-47265854-C-T.
Other names: short protein forms V1097I.
Identifiers: ClinVar variation 3059716 (VCV003059716.2), dbSNP rs1188279149, ClinGen allele CA409323534.